The following is an entry in ClinVar:

NM_001134363.3(RBM20):c.3534G>A (p.Met1178Ile)

Gene: RBM20 (RNA binding motif protein 20; plus strand). Cytogenetic location: 10q25.2.
Variant type: single nucleotide variant.
Coding change: c.3534G>A on transcript NM_001134363.3 (MANE Select); coding-DNA position 3534, G replaced by A.
Protein change: p.Met1178Ile; replaces methionine 1178 with isoleucine.
Molecular consequence: missense variant.
Genome position (GRCh38, 1-based): chr10:110,831,143, G>A. VCF-style: chr10-110831143-G-A. GRCh37 (hg19) VCF-style: chr10-112590901-G-A.
Other names: c.3534G>A (NM_001134363.2); short protein forms M1178I.
Identifiers: ClinVar variation 1504191 (VCV001504191.9), dbSNP rs932864733, ClinGen allele CA213235049.

ClinVar aggregate classification (germline): Conflicting classifications of pathogenicity. Review status: criteria provided, conflicting classifications (1 of 4 stars). 2 submissions from 2 submitters: Uncertain significance (1); Likely benign (1). Last evaluated 2025-12-08.

Conditions:
RBM20-related disorder. Also called: RBM20-related condition.
Dilated cardiomyopathy 1DD (CMD1DD). Identifiers: Orphanet 154, MedGen C2750995, MONDO:0013168, OMIM 613172.

Allele frequency attached by ClinVar (database versions not stated): gnomAD 0.00001; gnomAD exomes 0.00001; TOPMed 0.00002.

Submissions (2):

Labcorp Genetics (formerly Invitae), Labcorp
Classification: Likely benign for Dilated cardiomyopathy 1DD. Last evaluated: 2025-12-08. Review status: criteria provided, single submitter. Criteria: Invitae Variant Classification Sherloc (09022015). Collection method: clinical testing. Allele origin: germline.

PreventionGenetics, part of Exact Sciences
Classification: Uncertain significance for RBM20-related condition. Last evaluated: 2024-12-16. Review status: criteria provided, single submitter. Criteria: ACMG Guidelines, 2015. Collection method: clinical testing. Allele origin: germline.
Comment: The RBM20 c.3534G>A variant is predicted to result in the amino acid substitution p.Met1178Ile. To our knowledge, this variant has not been reported in the literature. This variant is reported in 0.0092% of alleles in individuals of East Asian descent in gnomAD. Although we suspect that this variant may be benign, at this time, the clinical significance of this variant is uncertain due to the absence of conclusive functional and genetic evidence.